The following is an entry in ClinVar:

NM_001080517.3(SETD5):c.3823C>T (p.Arg1275Ter)

Gene: SETD5 (SET domain containing 5; plus strand). Cytogenetic location: 3p25.3.
Variant type: single nucleotide variant.
Coding change: c.3823C>T on transcript NM_001080517.3 (MANE Select); coding-DNA position 3823, C replaced by T.
Protein change: p.Arg1275Ter; replaces arginine 1275 with a stop codon.
Molecular consequence: nonsense.
Genome position (GRCh38, 1-based): chr3:9,475,585, C>T. VCF-style: chr3-9475585-C-T. GRCh37 (hg19) VCF-style: chr3-9517269-C-T.
Other names: c.3937C>T, p.Arg1313Ter (NM_001437635.1); c.3880C>T, p.Arg1294Ter (NM_001437643.1); c.3862C>T, p.Arg1288Ter (NM_001437701.1); c.3529C>T, p.Arg1177Ter (NM_001292043.2, NM_001349451.2); c.3919C>T, p.Arg1307Ter (NM_001437633.1); short protein forms R1177*, R1275*, R1288*, R1294*, R1307*, R1313*.
Identifiers: ClinVar variation 4879714 (VCV004879714.1).

ClinVar aggregate classification (germline): Pathogenic (1 of 4 stars; one submission).

Conditions:
Intellectual disability-facial dysmorphism syndrome due to SETD5 haploinsufficiency (MRD23). Also called: Intellectual developmental disorder, autosomal dominant 23. Identifiers: Orphanet 404440, MedGen C3810406, MONDO:0014336, OMIM 615761.

gnomAD v4.1: 1 of 1,613,918 alleles (0.000062%); highest among the groups gnomAD compares: Non-Finnish European, 0.000085%; no homozygotes.

Submission:

Victorian Clinical Genetics Services, Murdoch Childrens Research Institute
Classification: Pathogenic for Intellectual disability-facial dysmorphism syndrome due to SETD5 haploinsufficiency. Last evaluated: 2026-04-23. Review status: criteria provided, single submitter. Criteria: ACMG Guidelines, 2015. Collection method: clinical testing. Allele origin: germline. Affected: yes.
Comment: This variant is classified as Pathogenic. Evidence in support of pathogenic classification: Variant is predicted to result in a truncated protein (premature termination codon is NOT located at least 54 nucleotides upstream of the final exon-exon junction) with less than 1/3 of the protein sequence affected; Variant is present in gnomAD <0.001 for a dominant condition (v4: 1 heterozygote(s), 0 homozygote(s)); Other protein truncating variant(s) comparable to the one identified in this case have very strong previous evidence for pathogenicity (DECIPHER). Many nearby downstream truncating variants have been classified as pathogenic/likely pathogenic, whilst other variants which truncate less of the protein have been classified as VUS by clinical laboratories (ClinVar); Additional information: This variant is heterozygous; This gene is associated with autosomal dominant disease; This variant has no previous evidence of pathogenicity; No published evidence of segregation with disease has been identified for this variant; No published functional evidence has been identified for this variant; Loss of function is a known mechanism of disease in this gene and is associated with intellectual developmental disorder, autosomal dominant 23 (MIM#615761); Variants in this gene are known to have variable expressivity. Some mildly affected parents with the same SETD5 variant as their more severely affected children have been reported (PMID: 28881385, 27375234).

Literature cited by the submitters: PubMed 28881385; PubMed 27375234.